The following is an entry in ClinVar:

ClinVar aggregate classification (germline): Likely pathogenic (1 of 4 stars; one submission).

Conditions:
KCNA3-associated developmental and epileptic encephalopathy.

Submission:

Institute of Human Genetics, University of Leipzig Medical Center
Classification: Likely pathogenic for KCNA3-associated developmental and epileptic encephalopathy. Last evaluated: 2023-02-14. Review status: criteria provided, single submitter. Criteria: ACMG Guidelines, 2015. Collection method: research. Allele origin: de novo. Inheritance: Autosomal dominant inheritance. Affected: yes. Observed: 1 variant allele.
Comment: This variant was identified as de novo (maternity and paternity confirmed). Criteria applied: PS3, PS2_MOD, PM2_SUP, PP3

Literature cited by the submitters: PubMed 37964487.

NM_002232.5(KCNA3):c.1402_1403delinsTT (p.Gly468Phe)

Gene: KCNA3 (potassium voltage-gated channel subfamily A member 3; minus strand). Cytogenetic location: 1p13.3.
Variant type: Indel.
Coding change: c.1402_1403delinsTT on transcript NM_002232.5 (MANE Select); coding-DNA positions 1402 to 1403, GG replaced by TT.
Protein change: p.Gly468Phe; replaces glycine 468 with phenylalanine.
Molecular consequence: missense variant. On other transcripts: non-coding transcript variant (1).
Genome position (GRCh38, 1-based): chr1:110,673,407-110,673,408, CC replaced by AA on the plus strand (GG replaced by TT on the coding strand, the reverse complement: KCNA3 is on the minus strand). VCF-style: chr1-110673407-CC-AA. GRCh37 (hg19) VCF-style: chr1-111216029-CC-AA.
Other names: short protein forms G468F.
Identifiers: ClinVar variation 2500317 (VCV002500317.2), dbSNP rs2524761194, ClinGen allele CA2580060797.